The following is an entry in ClinVar:

ClinVar aggregate classification (germline): Pathogenic (1 of 4 stars; one submission).

Conditions:
Alstrom syndrome (ALMS). Identifiers: Orphanet 64, MedGen C0268425, MONDO:0008763, OMIM 203800.

Submission:

Labcorp Genetics (formerly Invitae), Labcorp
Classification: Pathogenic for Alstrom syndrome. Last evaluated: 2025-06-20. Review status: criteria provided, single submitter. Criteria: Invitae Variant Classification Sherloc (09022015). Collection method: clinical testing. Allele origin: germline.
Comment: This sequence change creates a premature translational stop signal (p.Arg2347Glufs*29) in the ALMS1 gene. It is expected to result in an absent or disrupted protein product. Loss-of-function variants in ALMS1 are known to be pathogenic (PMID: 17594715). This variant is not present in population databases (gnomAD no frequency). This variant has not been reported in the literature in individuals affected with ALMS1-related conditions. For these reasons, this variant has been classified as Pathogenic.

Literature cited by the submitters: PubMed 17594715.

NM_001378454.1(ALMS1):c.7035del (p.Arg2346fs)

Gene: ALMS1 (ALMS1 centrosome and basal body associated protein; plus strand). Cytogenetic location: 2p13.1.
Variant type: Deletion.
Coding change: c.7035del on transcript NM_001378454.1 (MANE Select); coding-DNA position 7035, one base deleted (G; older notation c.7035delG).
Protein change: p.Arg2346fs; shifts the reading frame from arginine 2346.
Molecular consequence: frameshift variant.
Genome position (GRCh38, 1-based): chr2:73,453,562, G deleted; the last of 2 consecutive G bases (chr2:73,453,561-73,453,562); deleting either gives the same sequence. VCF-style (leftmost placement, unchanged base first): chr2-73453560-CG-C. GRCh37 (hg19) VCF-style: chr2-73680687-CG-C.
Other names: c.7038del, p.Arg2347fs (NM_015120.4); short protein forms R2346fs, R2347fs.
Identifiers: ClinVar variation 4721321 (VCV004721321.1).